The following is an entry in ClinVar:

ClinVar aggregate classification (germline): Uncertain significance (1 of 4 stars; one submission).

gnomAD v4.1: 1 of 1,521,616 alleles (0.000066%); highest among the groups gnomAD compares: Non-Finnish European, 0.000089%; no homozygotes.

Submission:

GeneDx
Classification: Uncertain significance. Last evaluated: 2023-12-01. Review status: criteria provided, single submitter. Criteria: GeneDx Variant Classification Process June 2021. Collection method: clinical testing. Allele origin: germline. Affected: yes.
Comment: Not observed in large population cohorts (gnomAD); In silico analysis supports that this missense variant has a deleterious effect on protein structure/function; Has not been previously published as pathogenic or benign to our knowledge

NM_001194.4(HCN2):c.529A>G (p.Lys177Glu)

Gene: HCN2 (hyperpolarization activated cyclic nucleotide gated potassium and sodium channel 2; plus strand). Cytogenetic location: 19p13.3.
Variant type: single nucleotide variant.
Coding change: c.529A>G on transcript NM_001194.4 (MANE Select); coding-DNA position 529, A replaced by G.
Protein change: p.Lys177Glu; replaces lysine 177 with glutamic acid.
Molecular consequence: missense variant.
Genome position (GRCh38, 1-based): chr19:590,474, A>G. VCF-style: chr19-590474-A-G. GRCh37 (hg19) VCF-style: chr19-590474-A-G.
Other names: short protein forms K177E.
Identifiers: ClinVar variation 3340860 (VCV003340860.1).
Genomic context (GRCh38, chr19:590,474, plus strand): 5'-GGCAGCCAGGCCAGCTTCATGCAGCGCCAGTTCGGCGCGCTCCTGCAGCCGGGCGTCAAC[A>G]AGTTCTCGCTGCGGATGTTCGGCAGCCAGAAGGCCGTGGAGCGCGAGCAGGAGCGCGTCA-3'
Protein context (NP_001185.3, residues 167-187): FGALLQPGVN[Lys177Glu]FSLRMFGSQK